The following is an entry in ClinVar:

ClinVar aggregate classification (germline): Pathogenic. Review status: criteria provided, multiple submitters, no conflicts (2 of 4 stars). 2 submissions from 2 submitters: Pathogenic (2). Last evaluated 2025-04-30.

Conditions:
Hearing loss, autosomal recessive 106. Also called: DEAFNESS, AUTOSOMAL RECESSIVE 106. Identifiers: MedGen C4539954, MONDO:0033198, OMIM 617637.

Submissions (2):

Labcorp Genetics (formerly Invitae), Labcorp
Classification: Pathogenic. Last evaluated: 2025-04-30. Review status: criteria provided, single submitter. Criteria: Invitae Variant Classification Sherloc (09022015). Collection method: clinical testing. Allele origin: germline.
Comment: This sequence change creates a premature translational stop signal (p.Asp473Glyfs*30) in the EPS8L2 gene. It is expected to result in an absent or disrupted protein product. Loss-of-function variants in EPS8L2 are known to be pathogenic (PMID: 26282398, 28281779). The frequency data for this variant in the population databases is considered unreliable, as metrics indicate poor data quality at this position in the gnomAD database. This variant has not been reported in the literature in individuals affected with EPS8L2-related conditions. For these reasons, this variant has been classified as Pathogenic.

Victorian Clinical Genetics Services, Murdoch Childrens Research Institute
Classification: Pathogenic for Hearing loss, autosomal recessive 106. Last evaluated: 2025-01-16. Review status: criteria provided, single submitter. Criteria: ACMG Guidelines, 2015. Collection method: clinical testing. Allele origin: germline. Affected: yes.
Comment: This variant is classified as Pathogenic. Evidence in support of pathogenic classification: Variant is predicted to cause nonsense-mediated decay (NMD) and loss of protein (premature termination codon is located at least 54 nucleotides upstream of the final exon-exon junction); Variant is present in gnomAD <0.01 for a recessive condition (v4: 114 heterozygote(s), 0 homozygote(s)); Other NMD-predicted variant(s) comparable to the one identified in this case have very strong previous evidence for pathogenicity (DECIPHER, PMIDs: 39107234, 31581539). Additional information: This variant is heterozygous; This gene is associated with autosomal recessive disease; This variant has no previous evidence of pathogenicity; No published segregation evidence has been identified for this variant; No published functional evidence has been identified for this variant; Loss of function is a known mechanism of disease in this gene and is associated with deafness autosomal recessive 106 (MIM#617637); Inheritance information for this variant is not currently available in this individual.

Literature cited by the submitters: PubMed 26282398 (cited by Labcorp Genetics (formerly Invitae), Labcorp); PubMed 28281779 (cited by Labcorp Genetics (formerly Invitae), Labcorp); PubMed 39107234 (cited by Victorian Clinical Genetics Services, Murdoch Childrens Research Institute); PubMed 31581539 (cited by Victorian Clinical Genetics Services, Murdoch Childrens Research Institute).

NM_022772.4(EPS8L2):c.1412dup (p.Asp473fs)

Gene: EPS8L2 (EPS8 signaling adaptor L2; plus strand). Cytogenetic location: 11p15.5.
Variant type: Duplication.
Coding change: c.1412dup on transcript NM_022772.4 (MANE Select); coding-DNA position 1412, one base duplicated (C; older notation c.1412dupC).
Protein change: p.Asp473fs; shifts the reading frame from aspartic acid 473.
Molecular consequence: frameshift variant.
Genome position (GRCh38, 1-based): chr11:723,311, C duplicated; the last of 7 consecutive C bases (chr11:723,305-723,311); duplicating any one gives the same sequence. VCF-style (leftmost placement, unchanged base first): chr11-723304-A-AC. GRCh37 (hg19) VCF-style: chr11-723304-A-AC.
Other names: c.1412dup, p.Asp473fs (NM_001441192.1, NM_001441193.1); c.875dup, p.Asp294fs (NM_001441194.1); short protein forms D294fs, D473fs.
Identifiers: ClinVar variation 4531328 (VCV004531328.2).